The following is an entry in ClinVar:

NM_001378454.1(ALMS1):c.11718del (p.Gly3906_Ile3907insTer)

Gene: ALMS1 (ALMS1 centrosome and basal body associated protein; plus strand). Cytogenetic location: 2p13.1.
Variant type: Deletion.
Coding change: c.11718del on transcript NM_001378454.1 (MANE Select); coding-DNA position 11718, one base deleted (G; older notation c.11718delG).
Protein change: p.Gly3906_Ile3907insTer.
Molecular consequence: frameshift variant.
Genome position (GRCh38, 1-based): chr2:73,600,727, G deleted; the last of 3 consecutive G bases (chr2:73,600,725-73,600,727); deleting any one gives the same sequence. VCF-style (leftmost placement, unchanged base first): chr2-73600724-TG-T. GRCh37 (hg19) VCF-style: chr2-73827851-TG-T.
Other names: c.11720del (NM_015120.4); c.11721del, p.Gly3907_Ile3908insTer (NM_015120.4).
Identifiers: ClinVar variation 692061 (VCV000692061.1), dbSNP rs1573053394, ClinGen allele CA915944030.
Genomic context (GRCh38, chr2:73,600,724, plus strand): 5'-ATCCTTCCCCTCAGGTAACTTGGAGATTGTGAACGGTGCCAAAAAACACACTCGAGATGT[TG>T]GGATAACTTTCCCAACTCCAAGTTCCAGCGAGGCTAAATTGGAAGAGAACAGTGATGTGA-3'

ClinVar aggregate classification (germline): Likely pathogenic (1 of 4 stars; one submission).

Conditions:
Alstrom syndrome (ALMS). Identifiers: Orphanet 64, MedGen C0268425, MONDO:0008763, OMIM 203800.

Submission:

Rady Children's Institute for Genomic Medicine, Rady Children's Hospital San Diego
Classification: Likely pathogenic for Alstrom syndrome. Last evaluated: 2018-12-04. Review status: criteria provided, single submitter. Criteria: ACMG Guidelines, 2015. Collection method: clinical testing. Allele origin: germline. Affected: yes. Observed: 1 variant allele.
Comment: This frameshifting variant in exon 18 of 23 introduces a premature stop codon and is therefore predicted to result in loss of normal protein function. This variant has not been previously reported or functionally characterized in the literature to our knowledge. It is absent from the ExAC and gnomAD population databases and thus is presumed to be rare. Based on the available evidence, the c.11720del (p.Thr3907IlefsTer18) variant is classified as likely pathogenic.